The following is an entry in ClinVar:

NM_001159699.2(FHL1):c.695T>C (p.Phe232Ser)

Gene: FHL1 (four and a half LIM domains 1; plus strand). Cytogenetic location: Xq26.3.
Variant type: single nucleotide variant.
Coding change: c.695T>C on transcript NM_001159699.2 (MANE Select); coding-DNA position 695, T replaced by C.
Protein change: p.Phe232Ser; replaces phenylalanine 232 with serine.
Molecular consequence: missense variant. On other transcripts: non-coding transcript variant (1), intron variant (2).
Genome position (GRCh38, 1-based): chrX:136,208,600, T>C. VCF-style: chrX-136208600-T-C. GRCh37 (hg19) VCF-style: chrX-135290759-T-C.
Other names: c.647T>C, p.Phe216Ser (NM_001159700.2, NM_001159702.3, NM_001159704.1 and 8 more transcripts); c.734T>C, p.Phe245Ser (NM_001159701.2); c.695T>C, p.Phe232Ser (NM_001440769.1); c.501+639T>C (NM_001159703.2); c.549+639T>C (NM_001330659.2); short protein forms F216S, F245S, F232S.
Identifiers: ClinVar variation 4755148 (VCV004755148.1).
Genomic context (GRCh38, chrX:136,208,600, plus strand): 5'-CTGGGCAGCGTTTCACCGCTGTGGAGGACCAGTATTACTGCGTGGATTGCTACAAGAACT[T>C]TGTGGCCAAGAAGTGTGCTGGATGCAAGAACCCCATCACTGGTAGGCTAAAGAGTCCTTG-3'
Protein context (NP_001153171.1, residues 222-242): QYYCVDCYKN[Phe232Ser]VAKKCAGCKN

ClinVar aggregate classification (germline): Uncertain significance (1 of 4 stars; one submission).

Conditions:
X-linked myopathy with postural muscle atrophy. Also called: FHL1-Related Emery-Dreifuss Muscular Dystrophy, X-Linked. Identifiers: Orphanet 178461, MedGen C2678055, MONDO:0010401, OMIM 300696.

Submission:

Labcorp Genetics (formerly Invitae), Labcorp
Classification: Uncertain significance for X-linked myopathy with postural muscle atrophy. Last evaluated: 2025-02-23. Review status: criteria provided, single submitter. Criteria: Invitae Variant Classification Sherloc (09022015). Collection method: clinical testing. Allele origin: germline.
Comment: This sequence change replaces phenylalanine, which is neutral and non-polar, with serine, which is neutral and polar, at codon 216 of the FHL1 protein (p.Phe216Ser). This variant is present in population databases (no rsID available, gnomAD 0.02%). This variant has not been reported in the literature in individuals affected with FHL1-related conditions. An algorithm developed to predict the effect of missense changes on protein structure and function (PolyPhen-2) suggests that this variant is likely to be disruptive. In summary, the available evidence is currently insufficient to determine the role of this variant in disease. Therefore, it has been classified as a Variant of Uncertain Significance.